The following is an entry in ClinVar:

NM_001110556.2(FLNA):c.2074C>T (p.Pro692Ser)

Gene: FLNA (filamin A; minus strand). Cytogenetic location: Xq28.
Variant type: single nucleotide variant.
Coding change: c.2074C>T on transcript NM_001110556.2 (MANE Select); coding-DNA position 2074, C replaced by T.
Protein change: p.Pro692Ser; replaces proline 692 with serine.
Molecular consequence: missense variant.
Genome position (GRCh38, 1-based): chrX:154,364,321, G>A on the plus strand (C>T on the coding strand, the complement: FLNA is on the minus strand). VCF-style: chrX-154364321-G-A. GRCh37 (hg19) VCF-style: chrX-153592689-G-A.
Other names: NC_000023.10:g.153592689G>A; c.2074C>T, p.Pro692Ser (NM_001456.4); short protein forms P692S.
Identifiers: ClinVar variation 4478619 (VCV004478619.2).

ClinVar aggregate classification (germline): Uncertain significance (1 of 4 stars; one submission).

Conditions:
Heterotopia, periventricular, X-linked dominant (PVNH1). Also called: PERIVENTRICULAR NODULAR HETEROTOPIA 1; X-linked periventricular heterotopia; PERIVENTRICULAR NODULAR HETEROTOPIA 4; HETEROTOPIA, PERIVENTRICULAR, 1. Identifiers: Orphanet 2149, Orphanet 82004, MedGen C1848213, MONDO:0010233, OMIM 300049.
Melnick-Needles syndrome (MNS). Also called: MELNICK-NEEDLES OSTEODYSPLASTY; OSTEODYSPLASTY OF MELNICK AND NEEDLES; Melnick-Needles Syndrome (FLNA-MNS). Identifiers: Orphanet 2484, MedGen C0025237, MONDO:0010650, OMIM 309350.
Oto-palato-digital syndrome, type II (OPD2). Also called: FACIOPALATOOSSEOUS SYNDROME; OPD II SYNDROME; Otopalatodigital Syndrome, Type II; Otopalatodigital Syndrome Type 2 (FLNA-OPD2). Identifiers: Orphanet 669, Orphanet 90652, MedGen C1844696, MONDO:0010571, OMIM 304120.
Frontometaphyseal dysplasia (FMD1). Identifiers: Orphanet 1826, MedGen C0265293, MONDO:0015942.

gnomAD v4.1: 2 of 1,211,257 alleles (0.00017%); highest among the groups gnomAD compares: Non-Finnish European, 0.00022%; no homozygotes.

Submissions (2):

Labcorp Genetics (formerly Invitae), Labcorp
Classification: Uncertain significance for Oto-palato-digital syndrome, type II; Heterotopia, periventricular, X-linked dominant; Frontometaphyseal dysplasia; Melnick-Needles syndrome. Last evaluated: 2025-12-21. Review status: criteria provided, single submitter. Criteria: Invitae Variant Classification Sherloc (09022015). Collection method: clinical testing. Allele origin: germline.
Comment: This sequence change replaces proline, which is neutral and non-polar, with serine, which is neutral and polar, at codon 692 of the FLNA protein (p.Pro692Ser). This variant is not present in population databases (gnomAD no frequency). This variant has not been reported in the literature in individuals affected with FLNA-related conditions. Invitae Evidence Modeling of protein sequence and biophysical properties (such as structural, functional, and spatial information, amino acid conservation, physicochemical variation, residue mobility, and thermodynamic stability) indicates that this missense variant is not expected to disrupt FLNA protein function with a negative predictive value of 95%. In summary, the available evidence is currently insufficient to determine the role of this variant in disease. Therefore, it has been classified as a Variant of Uncertain Significance.

Dr. Peter K. Rogan Lab, Western University
No classification provided (evidence only). Condition: Thyroid cancer, nonmedullary, 1. Review status: no classification provided. Collection method: in vitro. Allele origin: not applicable. Functional consequence: retained intron. Not counted in ClinVar's aggregate classification.